The following is an entry in ClinVar:

NM_000443.4(ABCB4):c.620T>G (p.Ile207Arg)

Gene: ABCB4 (ATP binding cassette subfamily B member 4; minus strand). Cytogenetic location: 7q21.12.
Variant type: single nucleotide variant.
Coding change: c.620T>G on transcript NM_000443.4 (MANE Select); coding-DNA position 620, T replaced by G.
Protein change: p.Ile207Arg; replaces isoleucine 207 with arginine.
Molecular consequence: missense variant.
Genome position (GRCh38, 1-based): chr7:87,451,711, A>C on the plus strand (T>G on the coding strand, the complement: ABCB4 is on the minus strand). VCF-style: chr7-87451711-A-C. GRCh37 (hg19) VCF-style: chr7-87081027-A-C.
Other names: c.620T>G, p.Ile207Arg (NM_018849.3, NM_018850.3); short protein forms I207R.
Identifiers: ClinVar variation 4846497 (VCV004846497.1).

ClinVar aggregate classification (germline): Uncertain significance (1 of 4 stars; one submission).

Conditions:
Familial intrahepatic cholestasis. Identifiers: Orphanet 284385, MedGen CN296401, MONDO:0017290.

gnomAD v4.1: 2 of 1,614,206 alleles (0.00012%); highest among the groups gnomAD compares: Non-Finnish European, 0.00017%; no homozygotes.

Submission:

Genomenon, Inc
Classification: Uncertain significance for Familial intrahepatic cholestasis. Last evaluated: 2026-04-14. Review status: criteria provided, single submitter. Criteria: Genomenon Sequence Variant Interpretation Standards - Updated. Collection method: curation. Allele origin: germline. Affected: yes.
Comment: ABCB4 p.Ile207Arg (c.620T>G) is a missense variant that changes the amino acid at residue 207 from Isoleucine to Arginine. This variant has been observed in at least one proband with an ABCB4-related disorder (PMID:35288833). It is absent or not present at a significant frequency in gnomAD. In silico models predict that this variant is possibly or probably damaging. In conclusion, we classify ABCB4 p.Ile207Arg (c.620T>G) as a variant of uncertain significance.

Literature cited by the submitters: PubMed 35288833.